The following is an entry in ClinVar:

NM_203447.4(DOCK8):c.3547del (p.Arg1183fs)

Gene: DOCK8 (dedicator of cytokinesis 8; plus strand). Cytogenetic location: 9p24.3.
Variant type: Deletion.
Coding change: c.3547del on transcript NM_203447.4 (MANE Select); coding-DNA position 3547, one base deleted (A; older notation c.3547delA).
Protein change: p.Arg1183fs; shifts the reading frame from arginine 1183.
Molecular consequence: frameshift variant.
Genome position (GRCh38, 1-based): chr9:414,798, A deleted; the last of 3 consecutive A bases (chr9:414,796-414,798); deleting any one gives the same sequence. VCF-style (leftmost placement, unchanged base first): chr9-414795-CA-C. GRCh37 (hg19) VCF-style: chr9-414795-CA-C.
Other names: c.3247del, p.Arg1083fs (NM_001190458.2); c.3343del, p.Arg1115fs (NM_001193536.2); short protein forms R1083fs, R1115fs, R1183fs.
Identifiers: ClinVar variation 2847107 (VCV002847107.3), dbSNP rs2538744314, ClinGen allele CA2739269056.

ClinVar aggregate classification (germline): Pathogenic (1 of 4 stars; one submission).

Conditions:
Combined immunodeficiency due to DOCK8 deficiency (HIES2). Also called: HIES autosomal recessive; Hyper-IgE recurrent infection syndrome, autosomal recessive; HYPER-IgE RECURRENT INFECTION SYNDROME 2, AUTOSOMAL RECESSIVE; HYPER-IgE SYNDROME 2, AUTOSOMAL RECESSIVE, WITH RECURRENT INFECTIONS; DOCK8 Deficiency. Identifiers: Orphanet 217390, MedGen C4722305, MONDO:0009478, OMIM 243700.

Submission:

Labcorp Genetics (formerly Invitae), Labcorp
Classification: Pathogenic for Combined immunodeficiency due to DOCK8 deficiency. Last evaluated: 2023-03-18. Review status: criteria provided, single submitter. Criteria: Invitae Variant Classification Sherloc (09022015). Collection method: clinical testing. Allele origin: germline.
Comment: This sequence change creates a premature translational stop signal (p.Arg1183Glyfs*11) in the DOCK8 gene. It is expected to result in an absent or disrupted protein product. Loss-of-function variants in DOCK8 are known to be pathogenic (PMID: 14722525, 19776401). This variant is not present in population databases (gnomAD no frequency). This variant has not been reported in the literature in individuals affected with DOCK8-related conditions. For these reasons, this variant has been classified as Pathogenic.

Literature cited by the submitters: PubMed 14722525; PubMed 19776401.